The following is an entry in ClinVar:

ClinVar aggregate classification (germline): Uncertain significance. Review status: criteria provided, multiple submitters, no conflicts (2 of 4 stars). 3 submissions from 3 submitters: Uncertain significance (3). Last evaluated 2021-12-07.

Conditions:
Inborn genetic diseases. Identifiers: MedGen C0950123, MeSH D030342.
Joubert syndrome. Also called: Familial aplasia of the vermis; JOUBERT-BOLTSHAUSER SYNDROME. Identifiers: Orphanet 475, MedGen C5979921, MONDO:0018772.

Allele frequency attached by ClinVar (database versions not stated): gnomAD 0.00001; TOPMed 0.00001; gnomAD exomes 0.00002.
gnomAD v4.1: 26 of 1,546,276 alleles (0.0017%); highest among the groups gnomAD compares: Non-Finnish European, 0.0023%; no homozygotes.

Submissions (3):

Ambry Genetics
Classification: Uncertain significance for Inborn genetic diseases. Last evaluated: 2021-12-07. Review status: criteria provided, single submitter. Criteria: Ambry Variant Classification Scheme 2023. Collection method: clinical testing. Allele origin: germline.

Labcorp Genetics (formerly Invitae), Labcorp
Classification: Uncertain significance for Joubert syndrome. Last evaluated: 2021-08-30. Review status: criteria provided, single submitter. Criteria: Invitae Variant Classification Sherloc (09022015). Collection method: clinical testing. Allele origin: germline.
Comment: This sequence change replaces valine with methionine at codon 397 of the AHI1 protein (p.Val397Met). The valine residue is moderately conserved and there is a small physicochemical difference between valine and methionine. This variant is not present in population databases (ExAC no frequency). This variant has not been reported in the literature in individuals affected with AHI1-related conditions. Advanced modeling of protein sequence and biophysical properties (such as structural, functional, and spatial information, amino acid conservation, physicochemical variation, residue mobility, and thermodynamic stability) performed at Invitae indicates that this missense variant is not expected to disrupt AHI1 protein function. In summary, the available evidence is currently insufficient to determine the role of this variant in disease. Therefore, it has been classified as a Variant of Uncertain Significance.

Blueprint Genetics
Classification: Uncertain significance. Last evaluated: 2020-11-17. Review status: criteria provided, single submitter. Criteria: ACMG Guidelines, 2015. Collection method: clinical testing. Allele origin: germline.

NM_001134831.2(AHI1):c.1189G>A (p.Val397Met)

Gene: AHI1 (Abelson helper integration site 1; minus strand). Cytogenetic location: 6q23.3.
Variant type: single nucleotide variant.
Coding change: c.1189G>A on transcript NM_001134831.2 (MANE Select); coding-DNA position 1189, G replaced by A.
Protein change: p.Val397Met; replaces valine 397 with methionine.
Molecular consequence: missense variant.
Genome position (GRCh38, 1-based): chr6:135,455,889, C>T on the plus strand (G>A on the coding strand, the complement: AHI1 is on the minus strand). VCF-style: chr6-135455889-C-T. GRCh37 (hg19) VCF-style: chr6-135777027-C-T.
Other names: c.1189G>A, p.Val397Met (NM_001134830.2, NM_001134832.2, NM_001350503.2 and 2 more transcripts); c.1189G>A (NM_017651.4); short protein forms V397M.
Identifiers: ClinVar variation 1440575 (VCV001440575.7), dbSNP rs1333376430, ClinGen allele CA365746702.